The following is an entry in ClinVar:

ClinVar aggregate classification (germline): Uncertain significance (1 of 4 stars; one submission).

Conditions:
Immunodeficiency 132A. Also called: Herpes simplex encephalitis, susceptibility to, 3. Identifiers: Orphanet 1930, MedGen C3553868, MONDO:0013920, OMIM 614849.

Submission:

Labcorp Genetics (formerly Invitae), Labcorp
Classification: Uncertain significance for Immunodeficiency 132A. Last evaluated: 2021-10-24. Review status: criteria provided, single submitter. Criteria: Invitae Variant Classification Sherloc (09022015). Collection method: clinical testing. Allele origin: germline.
Comment: This variant has not been reported in the literature in individuals affected with TRAF3-related conditions. This sequence change replaces valine with leucine at codon 202 of the TRAF3 protein (p.Val202Leu). The valine residue is highly conserved and there is a small physicochemical difference between valine and leucine. This variant is not present in population databases (ExAC no frequency). Algorithms developed to predict the effect of missense changes on protein structure and function are either unavailable or do not agree on the potential impact of this missense change (SIFT: "Deleterious"; PolyPhen-2: "Benign"; Align-GVGD: "Class C0"). In summary, the available evidence is currently insufficient to determine the role of this variant in disease. Therefore, it has been classified as a Variant of Uncertain Significance.

NM_145725.3(TRAF3):c.604G>C (p.Val202Leu)

Genes: TRAF3 (TNF receptor associated factor 3; plus strand), LOC126862065 (BRD4-independent group 4 enhancer GRCh37_chr14:103352003-103353202; plus strand). Cytogenetic location: 14q32.32.
Variant type: single nucleotide variant.
Coding change: c.604G>C on transcript NM_145725.3 (MANE Select); coding-DNA position 604, G replaced by C.
Protein change: p.Val202Leu; replaces valine 202 with leucine.
Molecular consequence: missense variant. On other transcripts: intron variant (2).
Genome position (GRCh38, 1-based): chr14:102,886,222, G>C. VCF-style: chr14-102886222-G-C. GRCh37 (hg19) VCF-style: chr14-103352559-G-C.
Other names: c.604G>C, p.Val202Leu (NM_003300.4, NM_145726.3, NM_001385142.1); c.571-3338G>C (NM_001385143.1); c.570+9697G>C (NM_001199427.2); short protein forms V202L.
Identifiers: ClinVar variation 1346809 (VCV001346809.6), dbSNP rs1023557232, ClinGen allele CA391071549.
Genomic context (GRCh38, chr14:102,886,222, plus strand): 5'-AGTTGATAGTACTTTCTCTCTCTGTAGAAACACGAAGACACCGACTGTCCCTGCGTGGTG[G>C]TGTCCTGCCCTCACAAGTGCAGCGTCCAGACTCTCCTGAGGAGCGAGGTAGGGGCGGCCG-3'
Protein context (NP_663777.1, residues 192-212): HEDTDCPCVV[Val202Leu]SCPHKCSVQT